The following is an entry in ClinVar:

NM_001370259.2(MEN1):c.576G>C (p.Gln192His)

Gene: MEN1 (menin 1; minus strand). Cytogenetic location: 11q13.1.
Variant type: single nucleotide variant.
Coding change: c.576G>C on transcript NM_001370259.2 (MANE Select); coding-DNA position 576, G replaced by C.
Protein change: p.Gln192His; replaces glutamine 192 with histidine.
Molecular consequence: missense variant. On other transcripts: non-coding transcript variant (4), intron variant (5).
Genome position (GRCh38, 1-based): chr11:64,807,969, C>G on the plus strand (G>C on the coding strand, the complement: MEN1 is on the minus strand). VCF-style: chr11-64807969-C-G. GRCh37 (hg19) VCF-style: chr11-64575441-C-G.
Other names: c.549+27G>C (NM_001407148.1, NM_001407149.1, NM_001407151.1 and 2 more transcripts); c.591G>C, p.Gln197His (NM_000244.4, NM_001407145.1, NM_001407150.1 and 5 more transcripts); c.576G>C, p.Gln192His (NM_001370251.2, NM_001370260.2, NM_001370261.2 and 7 more transcripts); short protein forms Q192H, Q197H.
Identifiers: ClinVar variation 3023559 (VCV003023559.3), dbSNP rs142862945, ClinGen allele CA061301.

ClinVar aggregate classification (germline): Uncertain significance (1 of 4 stars; one submission).

Conditions:
Multiple endocrine neoplasia, type 1 (MEN1). Also called: MEN I; WERMER SYNDROME; Endocrine adenomatosis multiple; MEN 1; MEA I. Identifiers: Orphanet 652, MedGen C0025267, MeSH D018761, MONDO:0007540, OMIM 131100.

Allele frequency attached by ClinVar (database versions not stated): gnomAD exomes below 0.00001; ExAC 0.00001.
gnomAD v4.1: 1 of 1,614,204 alleles (0.000062%); highest among the groups gnomAD compares: Non-Finnish European, 0.000085%; no homozygotes.

Submission:

Labcorp Genetics (formerly Invitae), Labcorp
Classification: Uncertain significance for Multiple endocrine neoplasia, type 1. Last evaluated: 2024-10-31. Review status: criteria provided, single submitter. Criteria: Invitae Variant Classification Sherloc (09022015). Collection method: clinical testing. Allele origin: germline.
Comment: This sequence change replaces glutamine, which is neutral and polar, with histidine, which is basic and polar, at codon 192 of the MEN1 protein (p.Gln192His). This variant is present in population databases (rs142862945, gnomAD 0.0009%). This variant has not been reported in the literature in individuals affected with MEN1-related conditions. ClinVar contains an entry for this variant (Variation ID: 3023559). Invitae Evidence Modeling of protein sequence and biophysical properties (such as structural, functional, and spatial information, amino acid conservation, physicochemical variation, residue mobility, and thermodynamic stability) indicates that this missense variant is not expected to disrupt MEN1 protein function with a negative predictive value of 80%. In summary, the available evidence is currently insufficient to determine the role of this variant in disease. Therefore, it has been classified as a Variant of Uncertain Significance.